The following is an entry in ClinVar:

ClinVar aggregate classification (germline): Benign/Likely benign. Review status: criteria provided, multiple submitters, no conflicts (2 of 4 stars). 7 submissions from 7 submitters: Benign (1); Likely benign (6). Last evaluated 2026-01-25.

Conditions:
Autoinflammatory syndrome. Identifiers: Orphanet 93665, MedGen C3890737, MONDO:0019751.
Chédiak-Higashi syndrome (CHS). Also called: Chediak-Higashi Syndrome. Identifiers: Orphanet 167, MedGen C0007965, MONDO:0008963, OMIM 214500.

Allele frequency attached by ClinVar (database versions not stated): gnomAD 0.00027 and 0.00032; gnomAD exomes 0.00027 and 0.00088; TOPMed 0.00056; ExAC 0.00071; 1000 Genomes Project 30x 0.00203; 1000 Genomes Project 0.00220.
gnomAD v4.1: 478 of 1,609,896 alleles (0.03%); highest among the groups gnomAD compares: East Asian, 0.92%; 3 homozygotes.

Submissions (7):

Labcorp Genetics (formerly Invitae), Labcorp
Classification: Benign for Chédiak-Higashi syndrome. Last evaluated: 2026-01-25. Review status: criteria provided, single submitter. Criteria: Invitae Variant Classification Sherloc (09022015). Collection method: clinical testing. Allele origin: germline.

Mayo Clinic Laboratories, Mayo Clinic
Classification: Likely benign. Last evaluated: 2025-10-08. Review status: criteria provided, single submitter. Criteria: ACMG Guidelines, 2015. Collection method: clinical testing. Allele origin: germline. Observed: 2 variant alleles.
Comment: BS1, BP4

Blueprint Genetics
Classification: Likely benign. Last evaluated: 2024-11-21. Review status: criteria provided, single submitter. Criteria: ACMG Guidelines, 2015. Collection method: clinical testing. Allele origin: germline.

Fulgent Genetics
Classification: Likely benign for Chédiak-Higashi syndrome. Last evaluated: 2022-05-16. Review status: criteria provided, single submitter. Criteria: ACMG Guidelines, 2015. Collection method: clinical testing. Allele origin: unknown.

Genome Diagnostics Laboratory, The Hospital for Sick Children
Classification: Likely benign for Autoinflammatory syndrome. Last evaluated: 2020-07-01. Review status: criteria provided, single submitter. Criteria: ACMG Guidelines, 2015. Collection method: clinical testing. Allele origin: germline. Affected: yes.

Illumina Laboratory Services, Illumina
Classification: Likely benign for Chédiak-Higashi syndrome. Last evaluated: 2018-01-13. Review status: criteria provided, single submitter. Criteria: ICSL Variant Classification Criteria 13 December 2019. Collection method: clinical testing. Allele origin: germline.
Comment: This variant was observed in the ICSL laboratory as part of a predisposition screen in an ostensibly healthy population. It had not been previously curated by ICSL or reported in the Human Gene Mutation Database (HGMD: prior to June 1st, 2018), and was therefore a candidate for classification through an automated scoring system. Utilizing variant allele frequency, disease prevalence and penetrance estimates, and inheritance mode, an automated score was calculated to assess if this variant is too frequent to cause the disease. Based on the score and internal cut-off values, a variant classified as likely benign is not then subjected to further curation. The score for this variant resulted in a classification of likely benign for this disease.

Eurofins Ntd Llc (ga)
Classification: Likely benign. Last evaluated: 2017-12-12. Review status: criteria provided, single submitter. Criteria: EGL Classification Definitions 2015. Collection method: clinical testing. Allele origin: germline. Observed: 1 variant allele, 1 homozygote.

Literature cited by the submitters: PubMed 28353193 (cited by Mayo Clinic Laboratories, Mayo Clinic); PubMed 30899265 (cited by Mayo Clinic Laboratories, Mayo Clinic).

NM_000081.4(LYST):c.368A>G (p.His123Arg)

Gene: LYST (lysosomal trafficking regulator; minus strand). Cytogenetic location: 1q42.3.
Variant type: single nucleotide variant.
Coding change: c.368A>G on transcript NM_000081.4 (MANE Select); coding-DNA position 368, A replaced by G.
Protein change: p.His123Arg; replaces histidine 123 with arginine.
Molecular consequence: missense variant.
Genome position (GRCh38, 1-based): chr1:235,810,450, T>C on the plus strand (A>G on the coding strand, the complement: LYST is on the minus strand). VCF-style: chr1-235810450-T-C. GRCh37 (hg19) VCF-style: chr1-235973750-T-C.
Other names: c.368A>G, p.His123Arg (NM_001301365.1); short protein forms H123R.
Identifiers: ClinVar variation 296434 (VCV000296434.27), dbSNP rs3768067, ClinGen allele CA1467642.